The following is an entry in ClinVar:

ClinVar aggregate classification (germline): Likely pathogenic (1 of 4 stars; one submission).

Conditions:
Retinitis pigmentosa 39 (RP39). Identifiers: Orphanet 791, MedGen C3151138, MONDO:0013436, OMIM 613809.

Submission:

3billion
Classification: Likely pathogenic for Retinitis pigmentosa 39. Last evaluated: 2024-01-03. Review status: criteria provided, single submitter. Criteria: ACMG Guidelines, 2015. Collection method: clinical testing. Allele origin: germline. Affected: yes.
Comment: The variant is not observed in the gnomAD v2.1.1 dataset. Predicted Consequence/Location: Stop-gained (nonsense): predicted to result in a loss or disruption of normal protein function through nonsense-mediated decay (NMD) or protein truncation. Multiple pathogenic variants are reported downstream of the variant. Therefore, this variant is classified as Likely pathogenic according to the recommendation of ACMG/AMP guideline.

NM_206933.4(USH2A):c.7788dup (p.Lys2597Ter)

Gene: USH2A (usherin; minus strand). Cytogenetic location: 1q41.
Variant type: Duplication.
Coding change: c.7788dup on transcript NM_206933.4 (MANE Select); coding-DNA position 7788, one base duplicated (T; older notation c.7788dupT).
Protein change: p.Lys2597Ter; replaces lysine 2597 with a stop codon.
Molecular consequence: nonsense.
Genome position (GRCh38, 1-based): chr1:215,888,861, A duplicated on the plus strand (T on the coding strand, the reverse complement: USH2A is on the minus strand). VCF-style (leftmost placement, unchanged base first): chr1-215888860-T-TA. GRCh37 (hg19) VCF-style: chr1-216062202-T-TA.
Other names: short protein forms K2597*.
Identifiers: ClinVar variation 3775359 (VCV003775359.1).